The following is an entry in ClinVar:

NM_019066.5(MAGEL2):c.730A>G (p.Thr244Ala)

Gene: MAGEL2 (MAGE family member L2; minus strand). Cytogenetic location: 15q11.2.
Variant type: single nucleotide variant.
Coding change: c.730A>G on transcript NM_019066.5 (MANE Select); coding-DNA position 730, A replaced by G.
Protein change: p.Thr244Ala; replaces threonine 244 with alanine.
Molecular consequence: missense variant.
Genome position (GRCh38, 1-based): chr15:23,647,013, T>C on the plus strand (A>G on the coding strand, the complement: MAGEL2 is on the minus strand). VCF-style: chr15-23647013-T-C. GRCh37 (hg19) VCF-style: chr15-23892160-T-C.
Other names: short protein forms T244A.
Identifiers: ClinVar variation 2111530 (VCV002111530.4), dbSNP rs558318767, ClinGen allele CA267661172.

ClinVar aggregate classification (germline): Uncertain significance (1 of 4 stars; one submission).

Allele frequency attached by ClinVar (database versions not stated): 1000 Genomes Project 0.00020.

Submission:

Labcorp Genetics (formerly Invitae), Labcorp
Classification: Uncertain significance. Last evaluated: 2022-03-14. Review status: criteria provided, single submitter. Criteria: Invitae Variant Classification Sherloc (09022015). Collection method: clinical testing. Allele origin: germline.
Comment: This sequence change replaces threonine, which is neutral and polar, with alanine, which is neutral and non-polar, at codon 244 of the MAGEL2 protein (p.Thr244Ala). This variant is not present in population databases (gnomAD no frequency). This variant has not been reported in the literature in individuals affected with MAGEL2-related conditions. Algorithms developed to predict the effect of missense changes on protein structure and function output the following: SIFT: "Not Available"; PolyPhen-2: "Not Available"; Align-GVGD: "Not Available". The alanine amino acid residue is found in multiple mammalian species, which suggests that this missense change does not adversely affect protein function. In summary, the available evidence is currently insufficient to determine the role of this variant in disease. Therefore, it has been classified as a Variant of Uncertain Significance.